The following is an entry in ClinVar:

NM_001942.4(DSG1):c.162C>G (p.Phe54Leu)

Gene: DSG1 (desmoglein 1; plus strand). Cytogenetic location: 18q12.1.
Variant type: single nucleotide variant.
Coding change: c.162C>G on transcript NM_001942.4 (MANE Select); coding-DNA position 162, C replaced by G.
Protein change: p.Phe54Leu; replaces phenylalanine 54 with leucine.
Molecular consequence: missense variant.
Genome position (GRCh38, 1-based): chr18:31,326,951, C>G. VCF-style: chr18-31326951-C-G. GRCh37 (hg19) VCF-style: chr18-28906914-C-G.
Other names: short protein forms F54L.
Identifiers: ClinVar variation 3700077 (VCV003700077.2).
Genomic context (GRCh38, chr18:31,326,951, plus strand): 5'-TAAAAATGGCACCATCAAATGGCATTCAATCCGAAGGCAGAAACGTGAATGGATCAAGTT[C>G]GCAGCAGCCTGTCGTGAAGGTGAAGACAACTCAAAGAGGAACCCAATCGCCAAAGTAGGT-3'
Protein context (NP_001933.2, residues 44-64): IRRQKREWIK[Phe54Leu]AAACREGEDN

ClinVar aggregate classification (germline): Uncertain significance (1 of 4 stars; one submission).

Submission:

Labcorp Genetics (formerly Invitae), Labcorp
Classification: Uncertain significance. Last evaluated: 2024-07-12. Review status: criteria provided, single submitter. Criteria: Invitae Variant Classification Sherloc (09022015). Collection method: clinical testing. Allele origin: germline.
Comment: This sequence change replaces phenylalanine, which is neutral and non-polar, with leucine, which is neutral and non-polar, at codon 54 of the DSG1 protein (p.Phe54Leu). This variant is not present in population databases (gnomAD no frequency). This variant has not been reported in the literature in individuals affected with DSG1-related conditions. Advanced modeling of protein sequence and biophysical properties (such as structural, functional, and spatial information, amino acid conservation, physicochemical variation, residue mobility, and thermodynamic stability) performed at Invitae indicates that this missense variant is not expected to disrupt DSG1 protein function with a negative predictive value of 80%. In summary, the available evidence is currently insufficient to determine the role of this variant in disease. Therefore, it has been classified as a Variant of Uncertain Significance.